The following is an entry in ClinVar:

ClinVar aggregate classification (germline): Uncertain significance. Review status: criteria provided, multiple submitters, no conflicts (2 of 4 stars). 2 submissions from 2 submitters: Uncertain significance (2). Last evaluated 2025-08-24.

Conditions:
Gastrointestinal stromal tumor. Also called: Gastrointestinal stroma tumor; Gastrointestinal stromal tumor, somatic. Identifiers: Orphanet 44890, MedGen C0238198, MeSH D046152, MONDO:0011719, OMIM 606764, HP:0100723.
Hereditary cancer-predisposing syndrome. Also called: Tumor predisposition; Hereditary neoplastic syndrome; Hereditary Cancer Syndrome; Neoplastic Syndromes, Hereditary. Identifiers: Orphanet 140162, MedGen C0027672, MeSH D009386, MONDO:0015356.

Allele frequency attached by ClinVar (database versions not stated): gnomAD 0.00001.
gnomAD v4.1: 1 of 1,613,124 alleles (0.000062%); no homozygotes.

Submissions (2):

Labcorp Genetics (formerly Invitae), Labcorp
Classification: Uncertain significance for Gastrointestinal stromal tumor. Last evaluated: 2025-08-24. Review status: criteria provided, single submitter. Criteria: Invitae Variant Classification Sherloc (09022015). Collection method: clinical testing. Allele origin: germline.
Comment: This sequence change replaces isoleucine, which is neutral and non-polar, with valine, which is neutral and non-polar, at codon 670 of the PDGFRA protein (p.Ile670Val). This variant is not present in population databases (gnomAD no frequency). This missense change has been observed in individual(s) with colorectal cancer (PMID: 34347074). ClinVar contains an entry for this variant (Variation ID: 528528). Invitae Evidence Modeling of protein sequence and biophysical properties (such as structural, functional, and spatial information, amino acid conservation, physicochemical variation, residue mobility, and thermodynamic stability) indicates that this missense variant is not expected to disrupt PDGFRA protein function with a negative predictive value of 80%. In summary, the available evidence is currently insufficient to determine the role of this variant in disease. Therefore, it has been classified as a Variant of Uncertain Significance.

Ambry Genetics
Classification: Uncertain significance for Hereditary cancer-predisposing syndrome. Last evaluated: 2025-07-03. Review status: criteria provided, single submitter. Criteria: Ambry Variant Classification Scheme 2023. Collection method: clinical testing. Allele origin: germline.
Comment: The p.I670V variant (also known as c.2008A>G), located in coding exon 14 of the PDGFRA gene, results from an A to G substitution at nucleotide position 2008. The isoleucine at codon 670 is replaced by valine, an amino acid with highly similar properties. This amino acid position is highly conserved in available vertebrate species. In addition, the in silico prediction for this alteration is inconclusive. Based on the available evidence, the clinical significance of this variant remains unclear.

Literature cited by the submitters: PubMed 34347074 (cited by Labcorp Genetics (formerly Invitae), Labcorp).

NM_006206.6(PDGFRA):c.2008A>G (p.Ile670Val)

Gene: PDGFRA (platelet derived growth factor receptor alpha; plus strand). Cytogenetic location: 4q12.
Variant type: single nucleotide variant.
Coding change: c.2008A>G on transcript NM_006206.6 (MANE Select); coding-DNA position 2008, A replaced by G.
Protein change: p.Ile670Val; replaces isoleucine 670 with valine.
Molecular consequence: missense variant.
Genome position (GRCh38, 1-based): chr4:54,278,367, A>G. VCF-style: chr4-54278367-A-G. GRCh37 (hg19) VCF-style: chr4-55144534-A-G.
Other names: c.2008A>G, p.Ile670Val (NM_001347827.2, NM_001347829.2); c.2083A>G, p.Ile695Val (NM_001347828.2); c.2047A>G, p.Ile683Val (NM_001347830.2); short protein forms I670V, I695V, I683V.
Identifiers: ClinVar variation 528528 (VCV000528528.10), dbSNP rs1553904985, ClinGen allele CA356893827.